The following is an entry in ClinVar:

NM_020949.3(SLC7A14):c.542G>A (p.Gly181Glu)

Genes: SLC7A14 (solute carrier family 7 member 14; minus strand), SLC7A14-AS1 (SLC7A14 antisense RNA 1; plus strand). Cytogenetic location: 3q26.2.
Variant type: single nucleotide variant.
Coding change: c.542G>A on transcript NM_020949.3 (MANE Select); coding-DNA position 542, G replaced by A.
Protein change: p.Gly181Glu; replaces glycine 181 with glutamic acid.
Molecular consequence: missense variant.
Genome position (GRCh38, 1-based): chr3:170,498,884, C>T on the plus strand (G>A on the coding strand, the complement: SLC7A14 is on the minus strand). VCF-style: chr3-170498884-C-T. GRCh37 (hg19) VCF-style: chr3-170216673-C-T.
Other names: short protein forms G181E.
Identifiers: ClinVar variation 4703925 (VCV004703925.1).

ClinVar aggregate classification (germline): Uncertain significance (1 of 4 stars; one submission).

gnomAD v4.1: 1 of 1,613,904 alleles (0.000062%); highest among the groups gnomAD compares: Non-Finnish European, 0.000085%; no homozygotes.

Submission:

Labcorp Genetics (formerly Invitae), Labcorp
Classification: Uncertain significance. Last evaluated: 2025-06-18. Review status: criteria provided, single submitter. Criteria: Invitae Variant Classification Sherloc (09022015). Collection method: clinical testing. Allele origin: germline.
Comment: This sequence change replaces glycine, which is neutral and non-polar, with glutamic acid, which is acidic and polar, at codon 181 of the SLC7A14 protein (p.Gly181Glu). This variant is not present in population databases (gnomAD no frequency). This variant has not been reported in the literature in individuals affected with SLC7A14-related conditions. An algorithm developed to predict the effect of missense changes on protein structure and function (PolyPhen-2) suggests that this variant is likely to be disruptive. In summary, the available evidence is currently insufficient to determine the role of this variant in disease. Therefore, it has been classified as a Variant of Uncertain Significance.